The following is an entry in ClinVar:

ClinVar aggregate classification (germline): Conflicting classifications of pathogenicity. Review status: criteria provided, conflicting classifications (1 of 4 stars). 2 submissions from 2 submitters: Uncertain significance (1); Likely benign (1). Last evaluated 2026-01-20.

Allele frequency attached by ClinVar (database versions not stated): gnomAD 0.00006 and 0.00007; gnomAD exomes 0.00007; ExAC 0.00028.
gnomAD v4.1: 251 of 1,455,512 alleles (0.017%); highest among the groups gnomAD compares: Non-Finnish European, 0.022%; no homozygotes.

Submissions (2):

Labcorp Genetics (formerly Invitae), Labcorp
Classification: Uncertain significance. Last evaluated: 2026-01-20. Review status: criteria provided, single submitter. Criteria: Invitae Variant Classification Sherloc (09022015). Collection method: clinical testing. Allele origin: germline.
Comment: This sequence change replaces alanine, which is neutral and non-polar, with valine, which is neutral and non-polar, at codon 569 of the MKL1 protein (p.Ala569Val). The frequency data for this variant in the population databases is considered unreliable, as metrics indicate poor data quality at this position in the gnomAD database. This variant has not been reported in the literature in individuals affected with MKL1-related conditions. ClinVar contains an entry for this variant (Variation ID: 1683006). An algorithm developed to predict the effect of missense changes on protein structure and function outputs the following: PolyPhen-2: "Benign". The valine amino acid residue is found in multiple mammalian species, which suggests that this missense change does not adversely affect protein function. In summary, the available evidence is currently insufficient to determine the role of this variant in disease. Therefore, it has been classified as a Variant of Uncertain Significance.

Ambry Genetics
Classification: Likely benign. Last evaluated: 2021-12-16. Review status: criteria provided, single submitter. Criteria: Ambry Variant Classification Scheme 2023. Collection method: clinical testing. Allele origin: germline.

NM_020831.6(MRTFA):c.2006C>T (p.Ala669Val)

Gene: MRTFA (myocardin related transcription factor A; minus strand). Cytogenetic location: 22q13.1.
Variant type: single nucleotide variant.
Coding change: c.2006C>T on transcript NM_020831.6 (MANE Select); coding-DNA position 2006, C replaced by T.
Protein change: p.Ala669Val; replaces alanine 669 with valine.
Molecular consequence: missense variant.
Genome position (GRCh38, 1-based): chr22:40,418,732, G>A on the plus strand (C>T on the coding strand, the complement: MRTFA is on the minus strand). VCF-style: chr22-40418732-G-A. GRCh37 (hg19) VCF-style: chr22-40814736-G-A.
Other names: c.1706C>T (NM_020831.3); c.1706C>T, p.Ala569Val (NM_001282660.2); c.1856C>T, p.Ala619Val (NM_001282661.3); c.2006C>T, p.Ala669Val (NM_001282662.3); c.1811C>T, p.Ala604Val (NM_001318139.2); short protein forms A569V, A604V, A619V, A669V.
Identifiers: ClinVar variation 1683006 (VCV001683006.9), dbSNP rs776466952, ClinGen allele CA10249472.